The following is an entry in ClinVar:

NM_002460.4(IRF4):c.542A>G (p.Tyr181Cys)

Gene: IRF4 (interferon regulatory factor 4; plus strand). Cytogenetic location: 6p25.3.
Variant type: single nucleotide variant.
Coding change: c.542A>G on transcript NM_002460.4 (MANE Select); coding-DNA position 542, A replaced by G.
Protein change: p.Tyr181Cys; replaces tyrosine 181 with cysteine.
Molecular consequence: missense variant. On other transcripts: non-coding transcript variant (1).
Genome position (GRCh38, 1-based): chr6:397,157, A>G. VCF-style: chr6-397157-A-G. GRCh37 (hg19) VCF-style: chr6-397157-A-G.
Other names: c.539A>G, p.Tyr180Cys (NM_001195286.2); short protein forms Y181C, Y180C.
Identifiers: ClinVar variation 2869543 (VCV002869543.3), dbSNP rs747437180, ClinGen allele CA3612733.

ClinVar aggregate classification (germline): Uncertain significance (1 of 4 stars; one submission).

Allele frequency attached by ClinVar (database versions not stated): ExAC 0.00001.

Submission:

Labcorp Genetics (formerly Invitae), Labcorp
Classification: Uncertain significance. Last evaluated: 2024-05-06. Review status: criteria provided, single submitter. Criteria: Invitae Variant Classification Sherloc (09022015). Collection method: clinical testing. Allele origin: germline.
Comment: This sequence change replaces tyrosine, which is neutral and polar, with cysteine, which is neutral and slightly polar, at codon 181 of the IRF4 protein (p.Tyr181Cys). This variant is present in population databases (rs747437180, gnomAD 0.003%). This variant has not been reported in the literature in individuals affected with IRF4-related conditions. An algorithm developed to predict the effect of missense changes on protein structure and function (PolyPhen-2) suggests that this variant is likely to be disruptive. In summary, the available evidence is currently insufficient to determine the role of this variant in disease. Therefore, it has been classified as a Variant of Uncertain Significance.